The following is an entry in ClinVar:

ClinVar aggregate classification (germline): Uncertain significance. Review status: criteria provided, multiple submitters, no conflicts (2 of 4 stars). 2 submissions from 2 submitters: Uncertain significance (2). Last evaluated 2023-11-13.

Conditions:
Inborn genetic diseases. Identifiers: MedGen C0950123, MeSH D030342.

Allele frequency attached by ClinVar (database versions not stated): gnomAD exomes 0.00003; ExAC 0.00007; gnomAD 0.00007; TOPMed 0.00008; ESP Exome Variant Server 0.00015; 1000 Genomes Project 30x 0.00016; 1000 Genomes Project 0.00020.
gnomAD v4.1: 51 of 1,614,088 alleles (0.0032%); highest among the groups gnomAD compares: Admixed American, 0.01%; no homozygotes.

Submissions (2):

Ambry Genetics
Classification: Uncertain significance for Inborn genetic diseases. Last evaluated: 2023-11-13. Review status: criteria provided, single submitter. Criteria: Ambry Variant Classification Scheme 2023. Collection method: clinical testing. Allele origin: germline.

Labcorp Genetics (formerly Invitae), Labcorp
Classification: Uncertain significance. Last evaluated: 2023-08-29. Review status: criteria provided, single submitter. Criteria: Invitae Variant Classification Sherloc (09022015). Collection method: clinical testing. Allele origin: germline.
Comment: This sequence change replaces arginine, which is basic and polar, with histidine, which is basic and polar, at codon 238 of the PLVAP protein (p.Arg238His). This variant is present in population databases (rs143453891, gnomAD 0.01%). This variant has not been reported in the literature in individuals affected with PLVAP-related conditions. ClinVar contains an entry for this variant (Variation ID: 2179259). Advanced modeling of protein sequence and biophysical properties (such as structural, functional, and spatial information, amino acid conservation, physicochemical variation, residue mobility, and thermodynamic stability) performed at Invitae indicates that this missense variant is expected to disrupt PLVAP protein function. In summary, the available evidence is currently insufficient to determine the role of this variant in disease. Therefore, it has been classified as a Variant of Uncertain Significance.

NM_031310.3(PLVAP):c.713G>A (p.Arg238His)

Gene: PLVAP (plasmalemma vesicle associated protein; minus strand). Cytogenetic location: 19p13.11.
Variant type: single nucleotide variant.
Coding change: c.713G>A on transcript NM_031310.3 (MANE Select); coding-DNA position 713, G replaced by A.
Protein change: p.Arg238His; replaces arginine 238 with histidine.
Molecular consequence: missense variant.
Genome position (GRCh38, 1-based): chr19:17,365,752, C>T on the plus strand (G>A on the coding strand, the complement: PLVAP is on the minus strand). VCF-style: chr19-17365752-C-T. GRCh37 (hg19) VCF-style: chr19-17476561-C-T.
Other names: c.713G>A (NM_031310.1); short protein forms R238H.
Identifiers: ClinVar variation 2179259 (VCV002179259.3), dbSNP rs143453891, ClinGen allele CA9293979.
Genomic context (GRCh38, chr19:17,365,752, plus strand): 5'-TAGAGGTTGTAACCCAGGTTGTCCAGGCTGCGTGGGATAATGGAGTCCCTCCACAGGTTA[C>T]GAAGGTCCATCTCAAACTTGTCCTTGTCCAGGGGCAGGCAGAGGGCTTGCACCTTTTGCA-3'
Protein context (NP_112600.1, residues 228-248): LDKDKFEMDL[Arg238His]NLWRDSIIPR